The following is an entry in ClinVar:

ClinVar aggregate classification (germline): Uncertain significance (1 of 4 stars; one submission).

Conditions:
Hereditary sensory and autonomic neuropathy type 6. Also called: Neuropathy, hereditary sensory and autonomic, type VI; HSAN VI. Identifiers: Orphanet 314381, MedGen C3539003, MONDO:0013839, OMIM 614653.
Epidermolysis bullosa simplex 3, localized or generalized intermediate, with BP230 deficiency (EBS3). Also called: Epidermolysis bullosa simplex, autosomal recessive 2; Epidermolysis bullosa simplex due to BP230 deficiency. Identifiers: Orphanet 412181, MedGen C3809470, MONDO:0014180, OMIM 615425.

Allele frequency attached by ClinVar (database versions not stated): gnomAD 0.00001.
gnomAD v4.1: 1 of 1,613,814 alleles (0.000062%); highest among the groups gnomAD compares: Admixed American, 0.0017%; no homozygotes.

Submission:

Labcorp Genetics (formerly Invitae), Labcorp
Classification: Uncertain significance for Epidermolysis bullosa simplex 3, localized or generalized intermediate, with BP230 deficiency; Hereditary sensory and autonomic neuropathy type 6. Last evaluated: 2024-02-24. Review status: criteria provided, single submitter. Criteria: Invitae Variant Classification Sherloc (09022015). Collection method: clinical testing. Allele origin: germline.
Comment: The DST gene has multiple clinically relevant transcripts. This variant occurs in alternate transcript NM_015548.4, and corresponds to NM_001723.5:c.*21664G>C in the primary transcript. This sequence change replaces serine, which is neutral and polar, with threonine, which is neutral and polar, at codon 1556 of the DST protein (p.Ser1556Thr). This variant is not present in population databases (gnomAD no frequency). This variant has not been reported in the literature in individuals affected with DST-related conditions. In summary, the available evidence is currently insufficient to determine the role of this variant in disease. Therefore, it has been classified as a Variant of Uncertain Significance.

NM_001374736.1(DST):c.12536G>C (p.Ser4179Thr)

Gene: DST (dystonin; minus strand). Cytogenetic location: 6p12.1.
Variant type: single nucleotide variant.
Coding change: c.12536G>C on transcript NM_001374736.1 (MANE Select); coding-DNA position 12536, G replaced by C.
Protein change: p.Ser4179Thr; replaces serine 4179 with threonine.
Molecular consequence: missense variant.
Genome position (GRCh38, 1-based): chr6:56,593,853, C>G on the plus strand (G>C on the coding strand, the complement: DST is on the minus strand). VCF-style: chr6-56593853-C-G. GRCh37 (hg19) VCF-style: chr6-56458651-C-G.
Other names: c.6179G>C, p.Ser2060Thr (NM_001144769.5); c.5765G>C, p.Ser1922Thr (NM_001144770.2); c.12536G>C, p.Ser4179Thr (NM_001374722.1); c.11903G>C, p.Ser3968Thr (NM_001374729.1); c.5645G>C, p.Ser1882Thr (NM_001374730.1, NM_183380.4); c.12563G>C, p.Ser4188Thr (NM_001374734.1); c.4667G>C, p.Ser1556Thr (NM_015548.5); short protein forms S4188T, S1556T, S1882T, S2060T, S3968T, S1922T, S4179T.
Identifiers: ClinVar variation 967878 (VCV000967878.8), dbSNP rs2098329229, ClinGen allele CA364525852.